The following is an entry in ClinVar:

NM_017433.5(MYO3A):c.4545+1G>A

Gene: MYO3A (myosin IIIA; plus strand). Cytogenetic location: 10p12.1.
Variant type: single nucleotide variant.
Coding change: c.4545+1G>A on transcript NM_017433.5 (MANE Select); the canonical splice donor site of the intron after coding-DNA position 4545, G replaced by A.
Molecular consequence: splice donor variant.
Genome position (GRCh38, 1-based): chr10:26,193,312, G>A. VCF-style: chr10-26193312-G-A. GRCh37 (hg19) VCF-style: chr10-26482241-G-A.
Identifiers: ClinVar variation 3604643 (VCV003604643.3).
Genomic context (GRCh38, chr10:26,193,312, plus strand): 5'-CCCCGGAAACCCAAAACATTAAATAACCCTGAAGACTCCACATACTATTATCTACTTCAT[G>A]TAAGTGGCTCACTCTTACTATCAGATGGGAGCCATCACATCTACTAATGGCCAGTGTGAA-3'

ClinVar aggregate classification (germline): Likely pathogenic. Review status: criteria provided, multiple submitters, no conflicts (2 of 4 stars). 2 submissions from 2 submitters: Likely pathogenic (2). Last evaluated 2025-11-03.

Conditions:
Autosomal recessive nonsyndromic hearing loss 30. Identifiers: Orphanet 90636, MedGen C1846784, MONDO:0011774, OMIM 607101.

gnomAD v4.1: 1 of 1,605,914 alleles (0.000062%); highest among the groups gnomAD compares: Non-Finnish European, 0.000085%; no homozygotes.

Submissions (2):

Women's Health and Genetics/Laboratory Corporation of America, LabCorp
Classification: Likely pathogenic for Autosomal recessive nonsyndromic hearing loss 30. Last evaluated: 2025-11-03. Review status: criteria provided, single submitter. Criteria: LabCorp Variant Classification Summary - May 2015. Collection method: clinical testing. Allele origin: germline.
Comment: Variant summary: MYO3A c.4545+1G>A is located in a canonical splice-site and is predicted to affect mRNA splicing resulting in a significantly altered protein due to either exon skipping, shortening, or inclusion of intronic material. Variants that disrupt the consensus splice site are a relatively common cause of aberrant splicing and loss of MYO3A function. Several computational tools predict a significant impact on normal splicing: Four predict the variant abolishes a canonical 5' splicing donor site. However, these predictions have yet to be confirmed by functional studies. The variant was absent in 249738 control chromosomes. To our knowledge, no occurrence of c.4545+1G>A in individuals affected with MYO3A-related conditions and no experimental evidence demonstrating its impact on protein function have been reported. ClinVar contains an entry for this variant (Variation ID: 3604643). Based on the evidence outlined above, the variant was classified as likely pathogenic.

Labcorp Genetics (formerly Invitae), Labcorp
Classification: Likely pathogenic. Last evaluated: 2024-03-07. Review status: criteria provided, single submitter. Criteria: Invitae Variant Classification Sherloc (09022015). Collection method: clinical testing. Allele origin: germline.
Comment: This sequence change affects a donor splice site in intron 32 of the MYO3A gene. It is expected to disrupt RNA splicing. Variants that disrupt the donor or acceptor splice site typically lead to a loss of protein function (PMID: 16199547), and loss-of-function variants in MYO3A are known to be pathogenic (PMID: 12032315, 23990876). This variant is not present in population databases (gnomAD no frequency). This variant has not been reported in the literature in individuals affected with MYO3A-related conditions. Algorithms developed to predict the effect of sequence changes on RNA splicing suggest that this variant may disrupt the consensus splice site. In summary, the currently available evidence indicates that the variant is pathogenic, but additional data are needed to prove that conclusively. Therefore, this variant has been classified as Likely Pathogenic.

Literature cited by the submitters: PubMed 16199547 (cited by Labcorp Genetics (formerly Invitae), Labcorp); PubMed 12032315 (cited by Labcorp Genetics (formerly Invitae), Labcorp); PubMed 23990876 (cited by Labcorp Genetics (formerly Invitae), Labcorp).